The following is an entry in ClinVar:

ClinVar aggregate classification (germline): Uncertain significance (1 of 4 stars; one submission).

Conditions:
ATP2B2-related disorder. Also called: ATP2B2-related condition.

gnomAD v4.1: 12 of 1,550,456 alleles (0.00077%); highest among the groups gnomAD compares: African/African-American, 0.015%; no homozygotes.

Submission:

PreventionGenetics, part of Exact Sciences
Classification: Uncertain significance for ATP2B2-related condition. Last evaluated: 2026-07-28. Review status: criteria provided, single submitter. Criteria: ACMG Guidelines, 2015. Collection method: clinical testing. Allele origin: germline.
Comment: The ATP2B2 c.3316G>A variant is predicted to result in the amino acid substitution p.Ala1106Thr. This variant is intronic in an alternative transcript NM_001001331:c.3420+1906G>A. To our knowledge, this variant has not been reported in the literature. This variant is reported in 0.019% of alleles in individuals of African descent in gnomAD. At this time, the clinical significance of this variant is uncertain due to the absence of conclusive functional and genetic evidence.

NM_001001331.4(ATP2B2):c.3420+1906G>A

Gene: ATP2B2 (ATPase plasma membrane Ca2+ transporting 2; minus strand). Cytogenetic location: 3p25.3.
Variant type: single nucleotide variant.
Coding change: c.3420+1906G>A on transcript NM_001001331.4 (MANE Select); 1906 bases into the intron after coding-DNA position 3420, G replaced by A.
Molecular consequence: intron variant. On other transcripts: missense variant (2).
Genome position (GRCh38, 1-based): chr3:10,336,270, C>T on the plus strand (G>A on the coding strand, the complement: ATP2B2 is on the minus strand). VCF-style: chr3-10336270-C-T. GRCh37 (hg19) VCF-style: chr3-10377954-C-T.
Other names: c.3316G>A, p.Ala1106Thr (NM_001330611.3, NM_001363862.1); c.3285+1906G>A (NM_001438036.1, NM_001353564.1, NM_001683.5); c.3327+1906G>A (NM_001438646.1); short protein forms A1106T.
Identifiers: ClinVar variation 4986057 (VCV004986057.1).